The following is an entry in ClinVar:

ClinVar aggregate classification (germline): Uncertain significance (1 of 4 stars; one submission).

Conditions:
Catecholaminergic polymorphic ventricular tachycardia 1. Also called: VENTRICULAR TACHYCARDIA, CATECHOLAMINERGIC POLYMORPHIC, 1, WITH OR WITHOUT ATRIAL DYSFUNCTION AND/OR DILATED CARDIOMYOPATHY; RYR2-Related Catecholaminergic Polymorphic Ventricular Tachycardia; VENTRICULAR TACHYCARDIA, STRESS-INDUCED POLYMORPHIC 1. Identifiers: Orphanet 3286, MedGen C1631597, MONDO:0011484, OMIM 604772.

Submission:

Labcorp Genetics (formerly Invitae), Labcorp
Classification: Uncertain significance for Catecholaminergic polymorphic ventricular tachycardia 1. Last evaluated: 2024-08-10. Review status: criteria provided, single submitter. Criteria: Invitae Variant Classification Sherloc (09022015). Collection method: clinical testing. Allele origin: germline.
Comment: This sequence change falls in intron 104 of the RYR2 gene. It does not directly change the encoded amino acid sequence of the RYR2 protein. This variant is not present in population databases (gnomAD no frequency). This variant has not been reported in the literature in individuals affected with RYR2-related conditions. Algorithms developed to predict the effect of sequence changes on RNA splicing suggest that this variant may disrupt the consensus splice site. In summary, the available evidence is currently insufficient to determine the role of this variant in disease. Therefore, it has been classified as a Variant of Uncertain Significance.

NM_001035.3(RYR2):c.14809-7T>G

Gene: RYR2 (ryanodine receptor 2; plus strand). Cytogenetic location: 1q43.
Variant type: single nucleotide variant.
Coding change: c.14809-7T>G on transcript NM_001035.3 (MANE Select); 7 bases into the intron before coding-DNA position 14809, T replaced by G.
Molecular consequence: intron variant.
Genome position (GRCh38, 1-based): chr1:237,832,545, T>G. VCF-style: chr1-237832545-T-G. GRCh37 (hg19) VCF-style: chr1-237995845-T-G.
Identifiers: ClinVar variation 3661877 (VCV003661877.2), dbSNP rs1574134250.
Genomic context (GRCh38, chr1:237,832,545, plus strand): 5'-TTCTACCTTATGTTTTGTTAGCACACACTTTGGGGAAAATGTTAATACATTTCCTTGACT[T>G]TTGCAGGAATCTTATGTCTGGAAGATGTATCAAGAAAGGTGTTGGGAATTTTTCCCAGCA-3'